The following is an entry in ClinVar:

NM_006389.5(HYOU1):c.27G>C (p.Arg9Ser)

Gene: HYOU1 (hypoxia up-regulated 1; minus strand). Cytogenetic location: 11q23.3.
Variant type: single nucleotide variant.
Coding change: c.27G>C on transcript NM_006389.5 (MANE Select); coding-DNA position 27, G replaced by C.
Protein change: p.Arg9Ser; replaces arginine 9 with serine.
Molecular consequence: missense variant.
Genome position (GRCh38, 1-based): chr11:119,056,134, C>G on the plus strand (G>C on the coding strand, the complement: HYOU1 is on the minus strand). VCF-style: chr11-119056134-C-G. GRCh37 (hg19) VCF-style: chr11-118926846-C-G.
Other names: c.27G>C, p.Arg9Ser (NM_001130991.3, NM_001411041.1); short protein forms R9S.
Identifiers: ClinVar variation 2058606 (VCV002058606.4), dbSNP rs373744967, ClinGen allele CA229649794.

ClinVar aggregate classification (germline): Uncertain significance (1 of 4 stars; one submission).

Allele frequency attached by ClinVar (database versions not stated): ExAC 0.00001; gnomAD 0.00001; TOPMed 0.00002; ESP Exome Variant Server 0.00015.
gnomAD v4.1: 18 of 1,613,938 alleles (0.0011%); highest among the groups gnomAD compares: Non-Finnish European, 0.0015%; no homozygotes.

Submission:

Labcorp Genetics (formerly Invitae), Labcorp
Classification: Uncertain significance. Last evaluated: 2024-04-10. Review status: criteria provided, single submitter. Criteria: Invitae Variant Classification Sherloc (09022015). Collection method: clinical testing. Allele origin: germline.
Comment: This sequence change replaces arginine, which is basic and polar, with serine, which is neutral and polar, at codon 9 of the HYOU1 protein (p.Arg9Ser). This variant is present in population databases (rs373744967, gnomAD 0.0009%). This variant has not been reported in the literature in individuals affected with HYOU1-related conditions. ClinVar contains an entry for this variant (Variation ID: 2058606). An algorithm developed to predict the effect of missense changes on protein structure and function (PolyPhen-2) suggests that this variant is likely to be tolerated. In summary, the available evidence is currently insufficient to determine the role of this variant in disease. Therefore, it has been classified as a Variant of Uncertain Significance.